The following is an entry in ClinVar:

ClinVar aggregate classification (germline): Benign (1 of 4 stars; one submission).

Conditions:
Oligodontia-cancer predisposition syndrome. Also called: TOOTH AGENESIS-COLORECTAL CANCER SYNDROME. Identifiers: Orphanet 300576, MedGen C1837750, MONDO:0012075, OMIM 608615. Disease mechanism: loss of function.

gnomAD v4.1: 2 of 1,614,134 alleles (0.00012%); highest among the groups gnomAD compares: Non-Finnish European, 0.00017%; no homozygotes.

Submission:

Myriad Genetics, Inc.
Classification: Benign for Oligodontia-cancer predisposition syndrome. Last evaluated: 2024-09-25. Review status: criteria provided, single submitter. Criteria: Myriad Autosomal Dominant, Autosomal Recessive and X-Linked Classification Criteria (2023). Collection method: clinical testing. Allele origin: unknown.
Comment: This variant is considered benign. This variant occurs in the non-coding 3' untranslated region of the gene, and is not expected to impact protein function.

NM_004655.4(AXIN2):c.*9G>T

Gene: AXIN2 (axin 2; minus strand). Cytogenetic location: 17q24.1.
Variant type: single nucleotide variant.
Coding change: c.*9G>T on transcript NM_004655.4 (MANE Select); 9 bases downstream of the stop codon, G replaced by T.
Molecular consequence: 3 prime UTR variant.
Genome position (GRCh38, 1-based): chr17:65,529,967, C>A on the plus strand (G>T on the coding strand, the complement: AXIN2 is on the minus strand). VCF-style: chr17-65529967-C-A. GRCh37 (hg19) VCF-style: chr17-63526085-C-A.
Other names: c.*9G>T (NM_001363813.1).
Identifiers: ClinVar variation 3379015 (VCV003379015.1).